The following is an entry in ClinVar:

NM_182972.3(IRF2BP2):c.8_13del (p.Ala3_Ala4del)

Gene: IRF2BP2 (interferon regulatory factor 2 binding protein 2; minus strand). Cytogenetic location: 1q42.3.
Variant type: Deletion.
Coding change: c.8_13del on transcript NM_182972.3 (MANE Select); coding-DNA positions 8 to 13, 6 bases deleted (CGGCGG; older notation c.8_13delCGGCGG).
Protein change: p.Ala3_Ala4del.
Molecular consequence: inframe deletion.
Genome position (GRCh38, 1-based): chr1:234,609,482-234,609,487, CCGCCG deleted on the plus strand (CGGCGG on the coding strand, the reverse complement: IRF2BP2 is on the minus strand); deleting any 6 consecutive bases within chr1:234,609,482-234,609,488 gives the same sequence; the c. name uses the placement nearest the transcript's 3' end. VCF-style (leftmost placement, unchanged base first): chr1-234609481-ACCGCCG-A. GRCh37 (hg19) VCF-style: chr1-234745227-ACCGCCG-A.
Other names: c.8_13del, p.Ala3_Ala4del (NM_001077397.1).
Identifiers: ClinVar variation 4695173 (VCV004695173.1).

ClinVar aggregate classification (germline): Uncertain significance (1 of 4 stars; one submission).

Submission:

Labcorp Genetics (formerly Invitae), Labcorp
Classification: Uncertain significance. Last evaluated: 2025-03-22. Review status: criteria provided, single submitter. Criteria: Invitae Variant Classification Sherloc (09022015). Collection method: clinical testing. Allele origin: germline.
Comment: This variant, c.8_13del, results in the deletion of 2 amino acid(s) of the IRF2BP2 protein (p.Ala3_Ala4del), but otherwise preserves the integrity of the reading frame. This variant is not present in population databases (gnomAD no frequency). This variant has not been reported in the literature in individuals affected with IRF2BP2-related conditions. Experimental studies and prediction algorithms are not available or were not evaluated, and the functional significance of this variant is currently unknown. In summary, the available evidence is currently insufficient to determine the role of this variant in disease. Therefore, it has been classified as a Variant of Uncertain Significance.